The following is an entry in ClinVar:

NM_015978.3(TNNI3K):c.2380T>C (p.Ser794Pro)

Genes: FPGT-TNNI3K (FPGT-TNNI3K readthrough; plus strand), TNNI3K (TNNI3 interacting kinase; plus strand). Cytogenetic location: 1p31.1.
Variant type: single nucleotide variant.
Coding change: c.2380T>C on transcript NM_015978.3 (MANE Select); coding-DNA position 2380, T replaced by C.
Protein change: p.Ser794Pro; replaces serine 794 with proline.
Molecular consequence: missense variant.
Genome position (GRCh38, 1-based): chr1:74,540,262, T>C. VCF-style: chr1-74540262-T-C. GRCh37 (hg19) VCF-style: chr1-75005946-T-C.
Other names: c.2380T>C (NM_015978.2); c.2683T>C, p.Ser895Pro (NM_001112808.3); short protein forms S794P, S895P.
Identifiers: ClinVar variation 2176982 (VCV002176982.5), dbSNP rs762595816, ClinGen allele CA909886.
Genomic context (GRCh38, chr1:74,540,262, plus strand): 5'-TACTGTGAAACTGTGTTTTATTAATTTTCCAGTGCTGGACAATATTCCTCTCAAGGTCTG[T>C]CTTTGGAGGAGATGAAAAGAAGTCTTCAATACACACCCATTGACAAATATGGTAAGTAGG-3'
Protein context (NP_057062.1, residues 784-804): SAGQYSSQGL[Ser794Pro]LEEMKRSLQY

ClinVar aggregate classification (germline): Uncertain significance. Review status: criteria provided, multiple submitters, no conflicts (2 of 4 stars). 2 submissions from 2 submitters: Uncertain significance (2). Last evaluated 2025-06-22.

Conditions:
Inborn genetic diseases. Identifiers: MedGen C0950123, MeSH D030342.

Allele frequency attached by ClinVar (database versions not stated): ExAC 0.00001; gnomAD 0.00001; gnomAD exomes 0.00001; TOPMed 0.00001.
gnomAD v4.1: 4 of 1,612,540 alleles (0.00025%); highest among the groups gnomAD compares: Admixed American, 0.0067%; no homozygotes.

Submissions (2):

Ambry Genetics
Classification: Uncertain significance for Inborn genetic diseases. Last evaluated: 2025-06-22. Review status: criteria provided, single submitter. Criteria: Ambry Variant Classification Scheme 2023. Collection method: clinical testing. Allele origin: germline.

Labcorp Genetics (formerly Invitae), Labcorp
Classification: Uncertain significance. Last evaluated: 2023-04-17. Review status: criteria provided, single submitter. Criteria: Invitae Variant Classification Sherloc (09022015). Collection method: clinical testing. Allele origin: germline.
Comment: An algorithm developed to predict the effect of missense changes on protein structure and function (PolyPhen-2) suggests that this variant is likely to be tolerated. In summary, the available evidence is currently insufficient to determine the role of this variant in disease. Therefore, it has been classified as a Variant of Uncertain Significance. ClinVar contains an entry for this variant (Variation ID: 2176982). This variant has not been reported in the literature in individuals affected with TNNI3K-related conditions. This variant is present in population databases (rs762595816, gnomAD 0.006%). This sequence change replaces serine, which is neutral and polar, with proline, which is neutral and non-polar, at codon 794 of the TNNI3K protein (p.Ser794Pro).